The following is an entry in ClinVar:

ClinVar aggregate classification (germline): Likely benign. Review status: criteria provided, multiple submitters, no conflicts (2 of 4 stars). 3 submissions from 3 submitters: Likely benign (2). 1 of the submissions does not count toward it. Last evaluated 2026-01-20.

Conditions:
Cerebral creatine deficiency syndrome. Also called: Creatine deficiency syndromes. Identifiers: Orphanet 79172, MedGen C5244016, MONDO:0000456.
Deficiency of guanidinoacetate methyltransferase (CCDS2). Also called: GAMT DEFICIENCY; CEREBRAL CREATINE DEFICIENCY SYNDROME 2; Guanidinoacetate Methyltransferase (GAMT) Deficiency. Identifiers: Orphanet 382, MedGen C0574080, MONDO:0012999, OMIM 612736.

Allele frequency attached by ClinVar (database versions not stated): TOPMed 0.00001; gnomAD exomes 0.00001; gnomAD 0.00003.
gnomAD v4.1: 19 of 1,613,250 alleles (0.0012%); highest among the groups gnomAD compares: Non-Finnish European, 0.0015%; no homozygotes.

Submissions (3):

Labcorp Genetics (formerly Invitae), Labcorp
Classification: Likely benign for Cerebral creatine deficiency syndrome. Last evaluated: 2026-01-20. Review status: criteria provided, single submitter. Criteria: Invitae Variant Classification Sherloc (09022015). Collection method: clinical testing. Allele origin: germline.

Mayo Clinic Laboratories, Mayo Clinic
Classification: Likely benign. Last evaluated: 2024-10-21. Review status: criteria provided, single submitter. Criteria: ACMG Guidelines, 2015. Collection method: clinical testing. Allele origin: germline. Observed: 1 variant allele.
Comment: BP4, BP7

Natera, Inc.
Classification: Uncertain significance for Guanidinoacetate methyltransferase deficiency. Last evaluated: 2020-09-16. Review status: no assertion criteria provided. Collection method: clinical testing. Allele origin: germline. Not counted in ClinVar's aggregate classification.

NM_000156.6(GAMT):c.460-7T>G

Gene: GAMT (guanidinoacetate N-methyltransferase; minus strand). Cytogenetic location: 19p13.3.
Variant type: single nucleotide variant.
Coding change: c.460-7T>G on transcript NM_000156.6 (MANE Select); 7 bases into the intron before coding-DNA position 460, T replaced by G.
Molecular consequence: intron variant.
Genome position (GRCh38, 1-based): chr19:1,399,033, A>C on the plus strand (T>G on the coding strand, the complement: GAMT is on the minus strand). VCF-style: chr19-1399033-A-C. GRCh37 (hg19) VCF-style: chr19-1399032-A-C.
Other names: p.?; c.460-7T>G (NM_138924.3).
Identifiers: ClinVar variation 663022 (VCV000663022.9), dbSNP rs1200384623, ClinGen allele CA783446080.